The following is an entry in ClinVar:

NM_017514.5(PLXNA3):c.4931A>C (p.Asp1644Ala)

Gene: PLXNA3 (plexin A3; plus strand). Cytogenetic location: Xq28.
Variant type: single nucleotide variant.
Coding change: c.4931A>C on transcript NM_017514.5 (MANE Select); coding-DNA position 4931, A replaced by C.
Protein change: p.Asp1644Ala; replaces aspartic acid 1644 with alanine.
Molecular consequence: missense variant.
Genome position (GRCh38, 1-based): chrX:154,470,112, A>C. VCF-style: chrX-154470112-A-C. GRCh37 (hg19) VCF-style: chrX-153698455-A-C.
Other names: short protein forms D1644A.
Identifiers: ClinVar variation 3307928 (VCV003307928.2).
Genomic context (GRCh38, chrX:154,470,112, plus strand): 5'-CAGGCACCAAATTGTGGCACCTGGTGAAAAACCACGACCATGCCGACCATCGCGAGGGGG[A>C]CCGTGGCAGCAAGATGGTCTCCGAGATCTACCTGACACGGCTGCTGGCCACCAAGGTATG-3'
Protein context (NP_059984.3, residues 1634-1654): NHDHADHREG[Asp1644Ala]RGSKMVSEIY

ClinVar aggregate classification (germline): Conflicting classifications of pathogenicity. Review status: criteria provided, conflicting classifications (1 of 4 stars). 2 submissions from 2 submitters: Uncertain significance (1); Likely benign (1). Last evaluated 2025-11-17.

Conditions:
PLXNA3-related disorder. Also called: PLXNA3-related condition.

gnomAD v4.1: 40 of 1,206,860 alleles (0.0033%); highest among the groups gnomAD compares: Non-Finnish European, 0.00078%; no homozygotes.

Submissions (2):

PreventionGenetics, part of Exact Sciences
Classification: Likely benign for PLXNA3-related condition. Last evaluated: 2025-11-17. Review status: criteria provided, single submitter. Criteria: ACMG Guidelines, 2015. Collection method: clinical testing. Allele origin: germline.
Comment: This variant is classified as likely benign based on ACMG/AMP sequence variant interpretation guidelines (Richards et al. 2015 PMID: 25741868, with internal and published modifications).

Ambry Genetics
Classification: Uncertain significance. Last evaluated: 2024-06-03. Review status: criteria provided, single submitter. Criteria: Ambry Variant Classification Scheme 2023. Collection method: clinical testing. Allele origin: germline.